The following is an entry in ClinVar:

ClinVar aggregate classification (germline): Likely pathogenic (1 of 4 stars; one submission).

Conditions:
Craniofacial microsomia 2 (CFM2). Identifiers: MedGen C5781610, MONDO:0958194, OMIM 620444.

Submission:

Institute of Medical Genetics and Applied Genomics, University Hospital Tübingen
Classification: Likely pathogenic for Craniofacial microsomia 2. Last evaluated: 2024-04-17. Review status: criteria provided, single submitter. Criteria: ACMG Guidelines, 2015. Collection method: clinical testing. Allele origin: germline. Inheritance: Autosomal dominant inheritance. Affected: yes.
Comment: bilateral atresia of the external auditory canal

NM_001135649.3(FOXI3):c.596T>G (p.Leu199Arg)

Gene: FOXI3 (forkhead box I3; minus strand). Cytogenetic location: 2p11.2.
Variant type: single nucleotide variant.
Coding change: c.596T>G on transcript NM_001135649.3 (MANE Select); coding-DNA position 596, T replaced by G.
Protein change: p.Leu199Arg; replaces leucine 199 with arginine.
Molecular consequence: missense variant.
Genome position (GRCh38, 1-based): chr2:88,451,940, A>C on the plus strand (T>G on the coding strand, the complement: FOXI3 is on the minus strand). VCF-style: chr2-88451940-A-C. GRCh37 (hg19) VCF-style: chr2-88751459-A-C.
Other names: short protein forms L199R.
Identifiers: ClinVar variation 3075660 (VCV003075660.1), dbSNP rs2528916190, ClinGen allele CA347765991.
Genomic context (GRCh38, chr2:88,451,940, plus strand): 5'-TGCCAGCGGCCCTCACCTGGGTCGTCCTCGTCGCGGGGCACCTTCTTGAAGCAGTCGTTG[A>C]GCGACAGGTTGTGGCGGATGGAGTTCTGCCAGCCGGCCTTGCTGCGCTGGTAGAAGGGGA-3'
Protein context (NP_001129121.1, residues 189-209): WQNSIRHNLS[Leu199Arg]NDCFKKVPRD